The following is an entry in ClinVar:

NM_006306.4(SMC1A):c.547_548del (p.Gln183fs)

Gene: SMC1A (structural maintenance of chromosomes 1A; minus strand). Cytogenetic location: Xp11.22.
Variant type: Microsatellite.
Coding change: c.547_548del on transcript NM_006306.4 (MANE Select); coding-DNA positions 547 to 548, 2 bases deleted (CA; older notation c.547_548delCA).
Protein change: p.Gln183fs; shifts the reading frame from glutamine 183.
Molecular consequence: frameshift variant.
Genome position (GRCh38, 1-based): chrX:53,413,299-53,413,300, TG deleted on the plus strand (CA on the coding strand, the reverse complement: SMC1A is on the minus strand); deleting any 2 consecutive bases within chrX:53,413,299-53,413,305 gives the same sequence; the c. name uses the placement nearest the transcript's 3' end. VCF-style (leftmost placement, unchanged base first): chrX-53413298-CTG-C. GRCh37 (hg19) VCF-style: chrX-53440248-CTG-C.
Other names: c.481_482del, p.Gln161fs (NM_001281463.1); short protein forms Q161fs, Q183fs.
Identifiers: ClinVar variation 1453732 (VCV001453732.7), dbSNP rs2146605568, ClinGen allele CA2580612358.

ClinVar aggregate classification (germline): Pathogenic. Review status: criteria provided, multiple submitters, no conflicts (2 of 4 stars). 2 submissions from 2 submitters: Pathogenic (2). Last evaluated 2024-10-17.

Conditions:
Congenital muscular hypertrophy-cerebral syndrome (CDLS2). Also called: SMC1A-Related Cornelia de Lange Syndrome; Cornelia de Lange syndrome 2. Identifiers: Orphanet 199, MedGen C1802395, MONDO:0010370, OMIM 300590.
SMC1A-related disorder. Also called: SMC1A-related condition.

Submissions (2):

Labcorp Genetics (formerly Invitae), Labcorp
Classification: Pathogenic for Congenital muscular hypertrophy-cerebral syndrome. Last evaluated: 2024-10-17. Review status: criteria provided, single submitter. Criteria: Invitae Variant Classification Sherloc (09022015). Collection method: clinical testing. Allele origin: germline.
Comment: This sequence change creates a premature translational stop signal (p.Gln183Valfs*2) in the SMC1A gene. It is expected to result in an absent or disrupted protein product. Loss-of-function variants in SMC1A are known to be pathogenic (PMID: 26386245, 27334371, 28166369, 28548707, 31334757). This variant is not present in population databases (gnomAD no frequency). This variant has not been reported in the literature in individuals affected with SMC1A-related conditions. For these reasons, this variant has been classified as Pathogenic.

3billion
Classification: Pathogenic for SMC1A-related disorder. Last evaluated: 2024-06-12. Review status: criteria provided, single submitter. Criteria: ACMG Guidelines, 2015. Collection method: clinical testing. Allele origin: germline. Affected: yes.
Comment: The variant is not observed in the gnomAD v4.0.0 dataset. Predicted Consequence/Location: Frameshift: predicted to result in a loss or disruption of normal protein function through nonsense-mediated decay (NMD) or protein truncation. Multiple pathogenic variants are reported downstream of the variant. The variant has been reported to be associated with SMC1A-related disorder (ClinVar ID: VCV001453732). Therefore, this variant is classified as Pathogenic according to the recommendation of ACMG/AMP guideline.

Literature cited by the submitters: PubMed 26386245 (cited by Labcorp Genetics (formerly Invitae), Labcorp); PubMed 27334371 (cited by Labcorp Genetics (formerly Invitae), Labcorp); PubMed 28166369 (cited by Labcorp Genetics (formerly Invitae), Labcorp); PubMed 28548707 (cited by Labcorp Genetics (formerly Invitae), Labcorp); PubMed 31334757 (cited by Labcorp Genetics (formerly Invitae), Labcorp).